The following is an entry in ClinVar:

ClinVar aggregate classification (germline): Likely benign. Review status: criteria provided, multiple submitters, no conflicts (2 of 4 stars). 4 submissions from 4 submitters: Likely benign (3). 1 of the submissions does not count toward it. Last evaluated 2025-07-23.

Conditions:
KIF1B-related disorder. Also called: KIF1B-related condition.
Charcot-Marie-Tooth disease. Also called: Charcot-Marie-Tooth Hereditary Neuropathy; Charcot-Marie-Tooth Neuropathy. Identifiers: Orphanet 166, MedGen C0007959, MONDO:0015626.
Charcot-Marie-Tooth disease type 2. Also called: Charcot-Marie-Tooth type 2. Identifiers: Orphanet 64746, MedGen C0270914, MONDO:0018993.

Allele frequency attached by ClinVar (database versions not stated): gnomAD exomes 0.00002 and 0.00001; gnomAD 0.00001; 1000 Genomes Project 0.00020; ExAC 0.00002; 1000 Genomes Project 30x 0.00016.
gnomAD v4.1: 26 of 1,611,060 alleles (0.0016%); highest among the groups gnomAD compares: Middle Eastern, 0.033%; no homozygotes.

Submissions (4):

Women's Health and Genetics/Laboratory Corporation of America, LabCorp
Classification: Likely benign. Last evaluated: 2025-07-23. Review status: criteria provided, single submitter. Criteria: LabCorp Variant Classification Summary - May 2015. Collection method: clinical testing. Allele origin: germline.
Comment: Variant summary: KIF1B c.1297-9C>T alters a conserved nucleotide located at a position not widely known to affect splicing. Consensus agreement among computation tools predict no significant impact on normal splicing. However, these predictions have yet to be confirmed by functional studies. The variant allele was found at a frequency of 8e-06 in 250890 control chromosomes. The available data on variant occurrences in the general population are insufficient to allow any conclusion about variant significance. To our knowledge, no occurrence of c.1297-9C>T in individuals affected with Charcot-Marie-Tooth disease type 2A1 and no experimental evidence demonstrating its impact on protein function have been reported. ClinVar contains an entry for this variant (Variation ID: 917346). Based on the evidence outlined above, the variant was classified as likely benign.

Labcorp Genetics (formerly Invitae), Labcorp
Classification: Likely benign for Charcot-Marie-Tooth disease type 2. Last evaluated: 2025-03-15. Review status: criteria provided, single submitter. Criteria: Invitae Variant Classification Sherloc (09022015). Collection method: clinical testing. Allele origin: germline.

Molecular Genetics Laboratory, London Health Sciences Centre
Classification: Likely benign for Charcot-Marie-Tooth disease. Review status: criteria provided, single submitter. Criteria: ACMG Guidelines, 2015. Collection method: clinical testing. Allele origin: germline. Affected: yes.

PreventionGenetics, part of Exact Sciences
Classification: Likely benign for KIF1B-related condition. Last evaluated: 2019-02-21. Review status: no assertion criteria provided. Collection method: clinical testing. Allele origin: germline. Not counted in ClinVar's aggregate classification.
Comment: This variant is classified as likely benign based on ACMG/AMP sequence variant interpretation guidelines (Richards et al. 2015 PMID: 25741868, with internal and published modifications).

NM_001365951.3(KIF1B):c.1435-9C>T

Gene: KIF1B (kinesin family member 1B; plus strand). Cytogenetic location: 1p36.22.
Variant type: single nucleotide variant.
Coding change: c.1435-9C>T on transcript NM_001365951.3 (MANE Select); 9 bases into the intron before coding-DNA position 1435, C replaced by T.
Molecular consequence: intron variant.
Genome position (GRCh38, 1-based): chr1:10,291,073, C>T. VCF-style: chr1-10291073-C-T. GRCh37 (hg19) VCF-style: chr1-10351131-C-T.
Other names: c.1297-9C>T (NM_183416.4, NM_015074.3, NM_001365953.1); c.1435-9C>T (NM_001365952.1).
Identifiers: ClinVar variation 917346 (VCV000917346.9), dbSNP rs200798756, ClinGen allele CA580973.
Genomic context (GRCh38, chr1:10,291,073, plus strand): 5'-TGCTTTTCTAGCATGGTATGTTAAATTATAAGACTCTTTGCCTCTTTAACTGTGCGCTTC[C>T]TTCCTTAGGAATCAGAGAAGATCATTGCTGAGTTGAATGAAACTTGGGAAGAGAAGCTTC-3'